The following is an entry in ClinVar:

ClinVar aggregate classification (germline): Uncertain significance (1 of 4 stars; one submission).

Conditions:
Pick disease. Also called: PICK DISEASE OF BRAIN; DEMENTIA WITH LOBAR ATROPHY AND NEURONAL CYTOPLASMIC INCLUSIONS; LOBAR ATROPHY OF BRAIN; Pick's disease; Pick Disease of the Brain. Identifiers: Orphanet 282, MedGen C0236642, MONDO:0008243, OMIM 172700.
Alzheimer disease 3 (AD3). Also called: ALZHEIMER DISEASE, FAMILIAL, 3. Identifiers: Orphanet 1020, MedGen C1843013, MONDO:0011913, OMIM 607822.
Frontotemporal dementia (FTD1). Also called: Frontotemporal lobe dementia (FLDEM); FRONTOTEMPORAL LOBAR DEGENERATION WITH TAU INCLUSIONS; FTLD WITH TAU INCLUSIONS; Dementia, frontotemporal, with or without parkinsonism; FRONTOTEMPORAL DEMENTIA WITH PARKINSONISM; FRONTOTEMPORAL LOBE DEMENTIA. Identifiers: Orphanet 282, MedGen C0338451, MONDO:0017276, OMIM 600274, HP:0002145.
Acne inversa, familial, 3 (ACNINV3). Identifiers: MedGen C3151038, MONDO:0013398, OMIM 613737.

gnomAD v4.1: 2 of 1,613,910 alleles (0.00012%); highest among the groups gnomAD compares: Non-Finnish European, 0.00017%; no homozygotes.

Submission:

Labcorp Genetics (formerly Invitae), Labcorp
Classification: Uncertain significance for Alzheimer disease 3; Pick disease; Acne inversa, familial, 3; Frontotemporal dementia. Last evaluated: 2024-08-13. Review status: criteria provided, single submitter. Criteria: Invitae Variant Classification Sherloc (09022015). Collection method: clinical testing. Allele origin: germline.
Comment: This sequence change replaces isoleucine, which is neutral and non-polar, with leucine, which is neutral and non-polar, at codon 148 of the PSEN1 protein (p.Ile148Leu). This variant is not present in population databases (gnomAD no frequency). This variant has not been reported in the literature in individuals affected with PSEN1-related conditions. Invitae Evidence Modeling of protein sequence and biophysical properties (such as structural, functional, and spatial information, amino acid conservation, physicochemical variation, residue mobility, and thermodynamic stability) indicates that this missense variant is not expected to disrupt PSEN1 protein function with a negative predictive value of 80%. In summary, the available evidence is currently insufficient to determine the role of this variant in disease. Therefore, it has been classified as a Variant of Uncertain Significance.

NM_000021.4(PSEN1):c.442A>C (p.Ile148Leu)

Gene: PSEN1 (presenilin 1; plus strand). Cytogenetic location: 14q24.2.
Variant type: single nucleotide variant.
Coding change: c.442A>C on transcript NM_000021.4 (MANE Select); coding-DNA position 442, A replaced by C.
Protein change: p.Ile148Leu; replaces isoleucine 148 with leucine.
Molecular consequence: missense variant.
Genome position (GRCh38, 1-based): chr14:73,173,669, A>C. VCF-style: chr14-73173669-A-C. GRCh37 (hg19) VCF-style: chr14-73640377-A-C.
Other names: c.430A>C, p.Ile144Leu (NM_007318.3); short protein forms I144L, I148L.
Identifiers: ClinVar variation 3760850 (VCV003760850.2).
Genomic context (GRCh38, chr14:73,173,669, plus strand): 5'-AGAGCCCTGCACTCAATTCTGAATGCTGCCATCATGATCAGTGTCATTGTTGTCATGACT[A>C]TCCTCCTGGTGGTTCTGTATAAATACAGGTGCTATAAGGTGAGCATGAGACACAGATCTT-3'
Protein context (NP_000012.1, residues 138-158): IMISVIVVMT[Ile148Leu]LLVVLYKYRC